The following is an entry in ClinVar:

NM_000372.5(TYR):c.546T>A (p.Tyr182Ter)

Gene: TYR (tyrosinase; plus strand). Cytogenetic location: 11q14.3.
Variant type: single nucleotide variant.
Coding change: c.546T>A on transcript NM_000372.5 (MANE Select); coding-DNA position 546, T replaced by A.
Protein change: p.Tyr182Ter; replaces tyrosine 182 with a stop codon.
Molecular consequence: nonsense.
Genome position (GRCh38, 1-based): chr11:89,178,499, T>A. VCF-style: chr11-89178499-T-A. GRCh37 (hg19) VCF-style: chr11-88911667-T-A.
Other names: short protein forms Y182*.
Identifiers: ClinVar variation 5004315 (VCV005004315.1).

ClinVar aggregate classification (germline): Pathogenic (1 of 4 stars; one submission).

Conditions:
Oculocutaneous albinism type 1. Also called: Albinism 1; ALBINISM I. Identifiers: Orphanet 352731, MedGen C0268494, MONDO:0018135. Disease mechanism: loss of function.

Submission:

Myriad Genetics, Inc.
Classification: Pathogenic for Oculocutaneous albinism type 1. Last evaluated: 2025-12-05. Review status: criteria provided, single submitter. Criteria: Myriad Autosomal Dominant, Autosomal Recessive and X-Linked Classification Criteria (2023). Collection method: clinical testing. Allele origin: unknown.
Comment: NM_000372.4(TYR):c.546T>A(Y182*) is a nonsense variant classified as pathogenic in the context of oculocutaneous albinism, TYR-related. Y182* has not been observed in cases with relevant disease. Relevant functional assessments of this variant are not available in the literature. Y182* has not been observed in referenced population frequency databases. In summary, NM_000372.4(TYR):c.546T>A(Y182*) is a nonsense variant in a gene where loss of function is a known mechanism of disease and is predicted to disrupt protein function. Please note: this variant was assessed in the context of healthy population screening.